The following is an entry in ClinVar:

NM_001184.4(ATR):c.3601C>T (p.Arg1201Cys)

Gene: ATR (ATR checkpoint kinase; minus strand). Cytogenetic location: 3q23.
Variant type: single nucleotide variant.
Coding change: c.3601C>T on transcript NM_001184.4 (MANE Select); coding-DNA position 3601, C replaced by T.
Protein change: p.Arg1201Cys; replaces arginine 1201 with cysteine.
Molecular consequence: missense variant.
Genome position (GRCh38, 1-based): chr3:142,538,606, G>A on the plus strand (C>T on the coding strand, the complement: ATR is on the minus strand). VCF-style: chr3-142538606-G-A. GRCh37 (hg19) VCF-style: chr3-142257448-G-A.
Other names: c.3409C>T, p.Arg1137Cys (NM_001354579.2); short protein forms R1137C, R1201C.
Identifiers: ClinVar variation 941228 (VCV000941228.11), dbSNP rs974313531, ClinGen allele CA84734118.

ClinVar aggregate classification (germline): Uncertain significance (1 of 4 stars; one submission).

Allele frequency attached by ClinVar (database versions not stated): gnomAD 0.00001; gnomAD exomes 0.00002; TOPMed 0.00002.

Submission:

Labcorp Genetics (formerly Invitae), Labcorp
Classification: Uncertain significance. Last evaluated: 2022-08-22. Review status: criteria provided, single submitter. Criteria: Invitae Variant Classification Sherloc (09022015). Collection method: clinical testing. Allele origin: germline.
Comment: In summary, the available evidence is currently insufficient to determine the role of this variant in disease. Therefore, it has been classified as a Variant of Uncertain Significance. Algorithms developed to predict the effect of missense changes on protein structure and function (SIFT, PolyPhen-2, Align-GVGD) all suggest that this variant is likely to be disruptive. ClinVar contains an entry for this variant (Variation ID: 941228). This variant has not been reported in the literature in individuals affected with ATR-related conditions. This variant is present in population databases (no rsID available, gnomAD 0.006%). This sequence change replaces arginine, which is basic and polar, with cysteine, which is neutral and slightly polar, at codon 1201 of the ATR protein (p.Arg1201Cys).